The following is an entry in ClinVar:

ClinVar aggregate classification (germline): Uncertain significance (1 of 4 stars; one submission).

Conditions:
Dilated cardiomyopathy 1J (CMD1J). Also called: CARDIOMYOPATHY, DILATED, WITH SENSORINEURAL HEARING LOSS, AUTOSOMAL DOMINANT. Identifiers: Orphanet 217622, MedGen C1854368, MONDO:0011541, OMIM 605362.

Submission:

Labcorp Genetics (formerly Invitae), Labcorp
Classification: Uncertain significance for Dilated cardiomyopathy 1J. Last evaluated: 2020-03-22. Review status: criteria provided, single submitter. Criteria: Invitae Variant Classification Sherloc (09022015). Collection method: clinical testing. Allele origin: germline.
Comment: This sequence change replaces valine with leucine at codon 75 of the EYA4 protein (p.Val75Leu). The valine residue is weakly conserved and there is a small physicochemical difference between valine and leucine. This variant is not present in population databases (ExAC no frequency). This variant has not been reported in the literature in individuals with EYA4-related conditions. Algorithms developed to predict the effect of missense changes on protein structure and function (SIFT, PolyPhen-2, Align-GVGD) all suggest that this variant is likely to be tolerated, but these predictions have not been confirmed by published functional studies and their clinical significance is uncertain. In summary, the available evidence is currently insufficient to determine the role of this variant in disease. Therefore, it has been classified as a Variant of Uncertain Significance.

NM_004100.5(EYA4):c.223G>C (p.Val75Leu)

Gene: EYA4 (EYA transcriptional coactivator and phosphatase 4; plus strand). Cytogenetic location: 6q23.2.
Variant type: single nucleotide variant.
Coding change: c.223G>C on transcript NM_004100.5 (MANE Select); coding-DNA position 223, G replaced by C.
Protein change: p.Val75Leu; replaces valine 75 with leucine.
Molecular consequence: missense variant. On other transcripts: intron variant (4).
Genome position (GRCh38, 1-based): chr6:133,448,125, G>C. VCF-style: chr6-133448125-G-C. GRCh37 (hg19) VCF-style: chr6-133769263-G-C.
Other names: c.223G>C, p.Val75Leu (NM_001301013.2, NM_172105.4); c.208+1371G>C (NM_001370458.1, NM_172103.4, NM_001370459.1 and 1 more transcripts); short protein forms V75L.
Identifiers: ClinVar variation 1024792 (VCV001024792.8), dbSNP rs1793039802, ClinGen allele CA365838209.